The following is an entry in ClinVar:

ClinVar aggregate classification (germline): Uncertain significance. Review status: criteria provided, multiple submitters, no conflicts (2 of 4 stars). 2 submissions from 2 submitters: Uncertain significance (2). Last evaluated 2023-10-17.

Conditions:
Emery-Dreifuss muscular dystrophy 4, autosomal dominant (EDMD4). Also called: EMERY-DREIFUSS MUSCULAR DYSTROPHY 4 WITH VARIABLE FEATURES. Identifiers: Orphanet 261, MedGen C2751807, MONDO:0013071, OMIM 612998.
Autosomal recessive ataxia, Beauce type. Also called: ATAXIA, RECESSIVE, OF BEAUCE; SYNE1 Deficiency; Spinocerebellar ataxia, autosomal recessive 8; SYNE1-Related Autosomal Recessive Cerebellar Ataxia. Identifiers: Orphanet 88644, MedGen C1853116, MONDO:0012549, OMIM 610743.

Allele frequency attached by ClinVar (database versions not stated): gnomAD exomes 0.00001; TOPMed 0.00001.
gnomAD v4.1: 3 of 1,614,164 alleles (0.00019%); highest among the groups gnomAD compares: Admixed American, 0.005%; no homozygotes.

Submissions (2):

Revvity Omics, Revvity
Classification: Uncertain significance. Last evaluated: 2023-10-17. Review status: criteria provided, single submitter. Criteria: ACMG Guidelines, 2015. Collection method: clinical testing. Allele origin: germline.

Labcorp Genetics (formerly Invitae), Labcorp
Classification: Uncertain significance for Emery-Dreifuss muscular dystrophy 4, autosomal dominant; Spinocerebellar ataxia, autosomal recessive 8. Last evaluated: 2019-04-16. Review status: criteria provided, single submitter. Criteria: Invitae Variant Classification Sherloc (09022015). Collection method: clinical testing. Allele origin: germline.
Comment: This sequence change replaces alanine with valine at codon 4783 of the SYNE1 protein (p.Ala4783Val). The alanine residue is highly conserved and there is a small physicochemical difference between alanine and valine. This variant is not present in population databases (ExAC no frequency). This variant has not been reported in the literature in individuals with SYNE1-related conditions. Algorithms developed to predict the effect of missense changes on protein structure and function output the following: SIFT: "Deleterious"; PolyPhen-2: "Benign"; Align-GVGD: "Class C0". The valine amino acid residue is found in multiple mammalian species, suggesting that this missense change does not adversely affect protein function. These predictions have not been confirmed by published functional studies and their clinical significance is uncertain. In summary, the available evidence is currently insufficient to determine the role of this variant in disease. Therefore, it has been classified as a Variant of Uncertain Significance.

NM_182961.4(SYNE1):c.14561C>T (p.Ala4854Val)

Gene: SYNE1 (spectrin repeat containing nuclear envelope protein 1; minus strand). Cytogenetic location: 6q25.2.
Variant type: single nucleotide variant.
Coding change: c.14561C>T on transcript NM_182961.4 (MANE Select); coding-DNA position 14561, C replaced by T.
Protein change: p.Ala4854Val; replaces alanine 4854 with valine.
Molecular consequence: missense variant.
Genome position (GRCh38, 1-based): chr6:152,330,124, G>A on the plus strand (C>T on the coding strand, the complement: SYNE1 is on the minus strand). VCF-style: chr6-152330124-G-A. GRCh37 (hg19) VCF-style: chr6-152651259-G-A.
Other names: c.14348C>T, p.Ala4783Val (NM_033071.5); short protein forms A4783V, A4854V.
Identifiers: ClinVar variation 851054 (VCV000851054.2), dbSNP rs931699788, ClinGen allele CA150175895.